The following is an entry in ClinVar:

NM_015512.5(DNAH1):c.11855A>G (p.Asn3952Ser)

Gene: DNAH1 (dynein axonemal heavy chain 1; plus strand). Cytogenetic location: 3p21.1.
Variant type: single nucleotide variant.
Coding change: c.11855A>G on transcript NM_015512.5 (MANE Select); coding-DNA position 11855, A replaced by G.
Protein change: p.Asn3952Ser; replaces asparagine 3952 with serine.
Molecular consequence: missense variant.
Genome position (GRCh38, 1-based): chr3:52,397,774, A>G. VCF-style: chr3-52397774-A-G. GRCh37 (hg19) VCF-style: chr3-52431790-A-G.
Other names: short protein forms N3952S.
Identifiers: ClinVar variation 2929226 (VCV002929226.3), dbSNP rs1469391793, ClinGen allele CA353081963.

ClinVar aggregate classification (germline): Uncertain significance (1 of 4 stars; one submission).

Conditions:
Spermatogenic failure 18. Identifiers: MedGen C4539783, MONDO:0054615, OMIM 617576.
Ciliary dyskinesia, primary, 37 (CILD37). Also called: CILIARY DYSKINESIA, PRIMARY, 37, WITH OR WITHOUT SITUS INVERSUS. Identifiers: MedGen C4539798, MONDO:0033204, OMIM 617577.

Allele frequency attached by ClinVar (database versions not stated): TOPMed below 0.00001; gnomAD exomes 0.00001.
gnomAD v4.1: 4 of 1,613,832 alleles (0.00025%); highest among the groups gnomAD compares: Admixed American, 0.0033%; no homozygotes.

Submission:

Labcorp Genetics (formerly Invitae), Labcorp
Classification: Uncertain significance for Ciliary dyskinesia, primary, 37; Spermatogenic failure 18. Last evaluated: 2023-03-03. Review status: criteria provided, single submitter. Criteria: Invitae Variant Classification Sherloc (09022015). Collection method: clinical testing. Allele origin: germline.
Comment: This sequence change replaces asparagine, which is neutral and polar, with serine, which is neutral and polar, at codon 3952 of the DNAH1 protein (p.Asn3952Ser). The frequency data for this variant in the population databases is considered unreliable, as metrics indicate poor data quality at this position in the gnomAD database. This variant has not been reported in the literature in individuals affected with DNAH1-related conditions. Advanced modeling of protein sequence and biophysical properties (such as structural, functional, and spatial information, amino acid conservation, physicochemical variation, residue mobility, and thermodynamic stability) performed at Invitae indicates that this missense variant is expected to disrupt DNAH1 protein function. In summary, the available evidence is currently insufficient to determine the role of this variant in disease. Therefore, it has been classified as a Variant of Uncertain Significance.